The following is an entry in ClinVar:

ClinVar aggregate classification (germline): Likely benign (0 of 4 stars; one submission).

Conditions:
NRP2-related disorder. Also called: NRP2-related condition.

gnomAD v4.1: 88 of 1,613,568 alleles (0.0055%); highest among the groups gnomAD compares: Non-Finnish European, 0.0073%; no homozygotes.

Submission:

PreventionGenetics, part of Exact Sciences
Classification: Likely benign for NRP2-related condition. Last evaluated: 2024-04-30. Review status: no assertion criteria provided. Collection method: clinical testing. Allele origin: germline.
Comment: This variant is classified as likely benign based on ACMG/AMP sequence variant interpretation guidelines (Richards et al. 2015 PMID: 25741868, with internal and published modifications).

NM_003872.3(NRP2):c.2425+9609G>A

Gene: NRP2 (neuropilin 2; plus strand). Cytogenetic location: 2q33.3.
Variant type: single nucleotide variant.
Coding change: c.2425+9609G>A on transcript NM_003872.3 (MANE Select); 9609 bases into the intron after coding-DNA position 2425, G replaced by A.
Molecular consequence: intron variant. On other transcripts: synonymous variant (2).
Genome position (GRCh38, 1-based): chr2:205,776,412, G>A. VCF-style: chr2-205776412-G-A. GRCh37 (hg19) VCF-style: chr2-206641136-G-A.
Other names: c.2607G>A, p.Lys869= (NM_018534.4); c.2592G>A, p.Lys864= (NM_201267.2); c.2440+9594G>A (NM_201266.2); c.2425+9609G>A (NM_201279.2).
Identifiers: ClinVar variation 3358286 (VCV003358286.1).